The following is an entry in ClinVar:

NM_003172.4(SURF1):c.692A>G (p.Asp231Gly)

Gene: SURF1 (SURF1 cytochrome c oxidase assembly factor; minus strand). Cytogenetic location: 9q34.2.
Variant type: single nucleotide variant.
Coding change: c.692A>G on transcript NM_003172.4 (MANE Select); coding-DNA position 692, A replaced by G.
Protein change: p.Asp231Gly; replaces aspartic acid 231 with glycine.
Molecular consequence: missense variant.
Genome position (GRCh38, 1-based): chr9:133,352,505, T>C on the plus strand (A>G on the coding strand, the complement: SURF1 is on the minus strand). VCF-style: chr9-133352505-T-C. GRCh37 (hg19) VCF-style: chr9-136219360-T-C.
Other names: c.365A>G, p.Asp122Gly (NM_001280787.1); short protein forms D231G, D122G.
Identifiers: ClinVar variation 1993644 (VCV001993644.2), dbSNP rs2490615967, ClinGen allele CA375693718.
Genomic context (GRCh38, chr9:133,352,505, plus strand): 5'-CGGAAGTTGGCATCAATGAAGATGGGCTCTGCGCCTGTGATTCTGGCCATAGCTTCCAGG[T>C]CTCGATAATGCCAGTGGTTCCTTTCTGGATTGTTCTCAGGGACAAAAGGCTGCCTGGTTT-3'
Protein context (NP_003163.1, residues 221-241): NPERNHWHYR[Asp231Gly]LEAMARITGA

ClinVar aggregate classification (germline): Uncertain significance (1 of 4 stars; one submission).

Conditions:
Leigh syndrome (NULS). Also called: Leigh's necrotizing encephalopathy; Leigh's disease; Leigh Syndrome (mtDNA deletion); Leigh Disease; Subacute necrotizing encephalopathy; Necrotizing encephalopathy infantile subacute of Leigh. Identifiers: Orphanet 506, MedGen C2931891, MONDO:0009723, OMIM 256000.

Allele frequency attached by ClinVar (database versions not stated): gnomAD exomes below 0.00001.
gnomAD v4.1: 1 of 1,614,204 alleles (0.000062%); highest among the groups gnomAD compares: Non-Finnish European, 0.000085%; no homozygotes.

Submission:

Labcorp Genetics (formerly Invitae), Labcorp
Classification: Uncertain significance for Leigh syndrome. Last evaluated: 2026-01-05. Review status: criteria provided, single submitter. Criteria: Invitae Variant Classification Sherloc (09022015). Collection method: clinical testing. Allele origin: germline.
Comment: This sequence change replaces aspartic acid, which is acidic and polar, with glycine, which is neutral and non-polar, at codon 231 of the SURF1 protein (p.Asp231Gly). This variant is not present in population databases (gnomAD no frequency). This variant has not been reported in the literature in individuals affected with SURF1-related conditions. ClinVar contains an entry for this variant (Variation ID: 1993644). Invitae Evidence Modeling of protein sequence and biophysical properties (such as structural, functional, and spatial information, amino acid conservation, physicochemical variation, residue mobility, and thermodynamic stability) indicates that this missense variant is expected to disrupt SURF1 protein function with a positive predictive value of 95%. In summary, the available evidence is currently insufficient to determine the role of this variant in disease. Therefore, it has been classified as a Variant of Uncertain Significance.